The following is an entry in ClinVar:

NM_001277115.2(DNAH11):c.5991G>A (p.Pro1997=)

Gene: DNAH11 (dynein axonemal heavy chain 11; plus strand). Cytogenetic location: 7p15.3.
Variant type: single nucleotide variant.
Coding change: c.5991G>A on transcript NM_001277115.2 (MANE Select); coding-DNA position 5991, G replaced by A.
Protein change: p.Pro1997=; no amino-acid change (proline 1997 retained).
Molecular consequence: synonymous variant.
Genome position (GRCh38, 1-based): chr7:21,690,831, G>A. VCF-style: chr7-21690831-G-A. GRCh37 (hg19) VCF-style: chr7-21730449-G-A.
Identifiers: ClinVar variation 574420 (VCV000574420.15), dbSNP rs763685245, ClinGen allele CA4180629.

ClinVar aggregate classification (germline): Conflicting classifications of pathogenicity. Review status: criteria provided, conflicting classifications (1 of 4 stars). 4 submissions from 4 submitters: Uncertain significance (1); Benign (1); Likely benign (2). Last evaluated 2025-10-12.

Conditions:
DNAH11-related disorder. Also called: DNAH11-related condition.
Primary ciliary dyskinesia. Also called: Ciliary dyskinesia. Identifiers: Orphanet 244, MedGen C0008780, MONDO:0016575, HP:0012265.

Allele frequency attached by ClinVar (database versions not stated): TOPMed 0.00001; gnomAD 0.00002 and 0.00004; ExAC 0.00004; gnomAD exomes 0.00005.

Submissions (5):

Labcorp Genetics (formerly Invitae), Labcorp
Classification: Benign for Primary ciliary dyskinesia. Last evaluated: 2025-10-12. Review status: criteria provided, single submitter. Criteria: Invitae Variant Classification Sherloc (09022015). Collection method: clinical testing. Allele origin: germline.

PreventionGenetics, part of Exact Sciences
Classification: Likely benign for DNAH11-related condition. Last evaluated: 2025-03-20. Review status: criteria provided, single submitter. Criteria: ACMG Guidelines, 2015. Collection method: clinical testing. Allele origin: germline.
Comment: This variant is classified as likely benign based on ACMG/AMP sequence variant interpretation guidelines (Richards et al. 2015 PMID: 25741868, with internal and published modifications).

Blueprint Genetics
Classification: Likely benign. Last evaluated: 2021-07-15. Review status: criteria provided, single submitter. Criteria: ACMG Guidelines, 2015. Collection method: clinical testing. Allele origin: germline.

Ambry Genetics
Classification: Uncertain significance for Primary ciliary dyskinesia. Last evaluated: 2021-06-28. Review status: criteria provided, single submitter. Criteria: Ambry Variant Classification Scheme 2023. Collection method: clinical testing. Allele origin: germline.
Comment: The c.5991G>A variant (also known as p.P1997P), located in coding exon 35 of the DNAH11 gene. This variant results from a G to A substitution at nucleotide position 5991. This nucleotide substitution does not change the proline at codon 1997. This nucleotide position is poorly conserved in available vertebrate species. In silico splice site analysis for this alteration is inconclusive. Since supporting evidence is limited at this time, the clinical significance of this alteration remains unclear.

Dr. Peter K. Rogan Lab, Western University
No classification provided (evidence only). Condition: Gastric cancer. Review status: no classification provided. Collection method: in vitro. Allele origin: not applicable. Functional consequence: retained intron. Not counted in ClinVar's aggregate classification.